The following is an entry in ClinVar:

NM_001854.4(COL11A1):c.3817-14_3817-13dup

Gene: COL11A1 (collagen type XI alpha 1 chain; minus strand). Cytogenetic location: 1p21.1.
Variant type: Duplication.
Coding change: c.3817-14_3817-13dup on transcript NM_001854.4 (MANE Select); 14 bases into the intron before coding-DNA position 3817 through 13 bases into the intron before coding-DNA position 3817, 2 bases duplicated (TT; older notation c.3817-14_3817-13dupTT).
Molecular consequence: intron variant.
Genome position (GRCh38, 1-based): chr1:102,914,824-102,914,825, AA duplicated on the plus strand (TT on the coding strand, the reverse complement: COL11A1 is on the minus strand); duplicating any 2 consecutive bases within chr1:102,914,824-102,914,836 gives the same sequence; the c. name uses the placement nearest the transcript's 3' end. VCF-style (leftmost placement, unchanged base first): chr1-102914823-T-TAA. GRCh37 (hg19) VCF-style: chr1-103380379-T-TAA.
Other names: c.3700-14_3700-13dup (NM_001190709.2); c.3853-14_3853-13dup (NM_080629.3); c.3469-14_3469-13dup (NM_080630.4).
Identifiers: ClinVar variation 291508 (VCV000291508.17), dbSNP rs34228277, ClinGen allele CA973808.
Genomic context (GRCh38, chr1:102,914,823, plus strand): 5'-CTCCAGGTGGACCAGCTTCCCCTTTCTCTCCTCTTTCTCCTTTGGGACCCTAAACAATGT[T>TAA]AAAAAAAAAAAAAGAAGAAGAAGGAAAGAAGAGTTATCTTACAAGTTTTGCATAAAAGTT-3'

ClinVar aggregate classification (germline): Benign/Likely benign. Review status: criteria provided, multiple submitters, no conflicts (2 of 4 stars). 5 submissions from 5 submitters: Benign (2); Likely benign (1). 2 of the submissions do not count toward it. Last evaluated 2026-02-02.

Submissions (5):

Labcorp Genetics (formerly Invitae), Labcorp
Classification: Benign. Last evaluated: 2026-02-02. Review status: criteria provided, single submitter. Criteria: Invitae Variant Classification Sherloc (09022015). Collection method: clinical testing. Allele origin: germline.

Blueprint Genetics
Classification: Likely benign. Last evaluated: 2024-11-26. Review status: criteria provided, single submitter. Criteria: ACMG Guidelines, 2015. Collection method: clinical testing. Allele origin: germline.

GeneDx
Classification: Benign. Last evaluated: 2017-11-01. Review status: criteria provided, single submitter. Criteria: GeneDx Variant Classification (06012015). Collection method: clinical testing. Allele origin: germline. Affected: yes.
Comment: This variant is considered likely benign or benign based on one or more of the following criteria: it is a conservative change, it occurs at a poorly conserved position in the protein, it is predicted to be benign by multiple in silico algorithms, and/or has population frequency not consistent with disease.

Clinical Genetics, Academic Medical Center
Classification: Benign. Review status: no assertion criteria provided. Collection method: clinical testing. Allele origin: germline. Affected: yes. Study: VKGL Data-share Consensus. Not counted in ClinVar's aggregate classification.

Genome Diagnostics Laboratory, Amsterdam University Medical Center
Classification: Benign. Review status: no assertion criteria provided. Collection method: clinical testing. Allele origin: germline. Affected: yes. Study: VKGL Data-share Consensus. Not counted in ClinVar's aggregate classification.